The following is an entry in ClinVar:

NM_002860.4(ALDH18A1):c.1985A>G (p.Lys662Arg)

Gene: ALDH18A1 (aldehyde dehydrogenase 18 family member A1; minus strand). Cytogenetic location: 10q24.1.
Variant type: single nucleotide variant.
Coding change: c.1985A>G on transcript NM_002860.4 (MANE Select); coding-DNA position 1985, A replaced by G.
Protein change: p.Lys662Arg; replaces lysine 662 with arginine.
Molecular consequence: missense variant.
Genome position (GRCh38, 1-based): chr10:95,611,381, T>C on the plus strand (A>G on the coding strand, the complement: ALDH18A1 is on the minus strand). VCF-style: chr10-95611381-T-C. GRCh37 (hg19) VCF-style: chr10-97371138-T-C.
Other names: c.1979A>G, p.Lys660Arg (NM_001017423.2, NM_001323415.2); c.1652A>G, p.Lys551Arg (NM_001323412.2, NM_001323416.2); c.1985A>G, p.Lys662Arg (NM_001323413.2, NM_001323414.2); c.1880A>G, p.Lys627Arg (NM_001323417.2); c.1646A>G, p.Lys549Arg (NM_001323418.2); c.1349A>G, p.Lys450Arg (NM_001323419.2); short protein forms K660R, K551R, K450R, K549R, K627R, K662R.
Identifiers: ClinVar variation 962471 (VCV000962471.10), dbSNP rs1250411325, ClinGen allele CA377700056.

ClinVar aggregate classification (germline): Uncertain significance (1 of 4 stars; one submission).

Conditions:
de Barsy syndrome. Also called: Cutis laxa-corneal clouding-oligophrenia syndrome. Identifiers: Orphanet 2962, MedGen C0268354, MONDO:0017569.
Autosomal dominant spastic paraplegia type 9. Identifiers: MedGen C1832669, MONDO:0015091.
Cutis laxa, autosomal dominant 3 (ADCL3). Identifiers: Orphanet 90348, MedGen C4225268, MONDO:0014706, OMIM 616603.

Allele frequency attached by ClinVar (database versions not stated): gnomAD exomes below 0.00001; TOPMed below 0.00001.
gnomAD v4.1: 1 of 1,614,198 alleles (0.000062%); highest among the groups gnomAD compares: Non-Finnish European, 0.000085%; no homozygotes.

Submission:

Labcorp Genetics (formerly Invitae), Labcorp
Classification: Uncertain significance for Autosomal dominant spastic paraplegia type 9; de Barsy syndrome; Cutis laxa, autosomal dominant 3. Last evaluated: 2019-08-07. Review status: criteria provided, single submitter. Criteria: Invitae Variant Classification Sherloc (09022015). Collection method: clinical testing. Allele origin: germline.
Comment: Algorithms developed to predict the effect of missense changes on protein structure and function (SIFT, PolyPhen-2, Align-GVGD) all suggest that this variant is likely to be tolerated, but these predictions have not been confirmed by published functional studies and their clinical significance is uncertain. In summary, the available evidence is currently insufficient to determine the role of this variant in disease. Therefore, it has been classified as a Variant of Uncertain Significance. This variant has not been reported in the literature in individuals with ALDH18A1-related conditions. This variant is not present in population databases (ExAC no frequency). This sequence change replaces lysine with arginine at codon 662 of the ALDH18A1 protein (p.Lys662Arg). The lysine residue is highly conserved and there is a small physicochemical difference between lysine and arginine.